The following is an entry in ClinVar:

NM_001382567.1(STIM1):c.140-5C>T

Gene: STIM1 (stromal interaction molecule 1; plus strand). Cytogenetic location: 11p15.4.
Variant type: single nucleotide variant.
Coding change: c.140-5C>T on transcript NM_001382567.1 (MANE Select); 5 bases into the intron before coding-DNA position 140, C replaced by T.
Molecular consequence: intron variant.
Genome position (GRCh38, 1-based): chr11:3,967,547, C>T. VCF-style: chr11-3967547-C-T. GRCh37 (hg19) VCF-style: chr11-3988777-C-T.
Other names: c.-219-56326C>T (NM_001382581.1, NM_001382580.1); c.-83-5C>T (NM_001382576.1, NM_001382574.1, NM_001382566.1 and 5 more transcripts); c.140-5C>T (NM_001382568.1, NM_001277962.2, NM_003156.4 and 3 more transcripts); c.136-56326C>T (NM_001382569.1); c.-98-56326C>T (NM_001382571.1).
Identifiers: ClinVar variation 2933355 (VCV002933355.20), dbSNP rs200528985, ClinGen allele CA216282937.

ClinVar aggregate classification (germline): Conflicting classifications of pathogenicity. Review status: criteria provided, conflicting classifications (1 of 4 stars). 2 submissions from 2 submitters: Uncertain significance (1); Likely benign (1). Last evaluated 2024-08-01.

Conditions:
Combined immunodeficiency due to STIM1 deficiency. Also called: STIM1 DEFICIENCY; IMMUNODEFICIENCY 10. Identifiers: Orphanet 169090, Orphanet 317430, MedGen C2748557, MONDO:0013008, OMIM 612783.
Stormorken syndrome (STRMK). Also called: THROMBOCYTOPATHY, ASPLENIA, AND MIOSIS. Identifiers: Orphanet 3204, MedGen C1861451, MONDO:0008497, OMIM 185070.
Myopathy with tubular aggregates (TAM). Also called: Tubular Aggregate Myopathy. Identifiers: Orphanet 2593, MedGen C0410207, MONDO:0008051.

Allele frequency attached by ClinVar (database versions not stated): gnomAD 0.00001; TOPMed 0.00001.
gnomAD v4.1: 27 of 1,614,028 alleles (0.0017%); highest among the groups gnomAD compares: Non-Finnish European, 0.0023%; no homozygotes.

Submissions (3):

CeGaT Center for Human Genetics Tuebingen
Classification: Uncertain significance. Last evaluated: 2024-08-01. Review status: criteria provided, single submitter. Criteria: CeGaT Center For Human Genetics Tuebingen Variant Classification Criteria Version 2. Collection method: clinical testing. Allele origin: germline. Affected: yes. Observed: 1 variant allele.
Comment: STIM1: PM2, BP4

Labcorp Genetics (formerly Invitae), Labcorp
Classification: Likely benign for Myopathy with tubular aggregates; Combined immunodeficiency due to STIM1 deficiency; Stormorken syndrome. Last evaluated: 2023-08-30. Review status: criteria provided, single submitter. Criteria: Invitae Variant Classification Sherloc (09022015). Collection method: clinical testing. Allele origin: germline.

Dr. Peter K. Rogan Lab, Western University
No classification provided (evidence only). Condition: Cholangiocarcinoma. Review status: no classification provided. Collection method: in vitro. Allele origin: not applicable. Functional consequence: skipped exon, retained intron. Not counted in ClinVar's aggregate classification.